The following is an entry in ClinVar:

NM_033395.2(CEP295):c.7593C>T (p.Gly2531=)

Gene: CEP295 (centrosomal protein 295; plus strand). Cytogenetic location: 11q21.
Variant type: single nucleotide variant.
Coding change: c.7593C>T on transcript NM_033395.2 (MANE Select); coding-DNA position 7593, C replaced by T.
Protein change: p.Gly2531=; no amino-acid change (glycine 2531 retained).
Molecular consequence: synonymous variant.
Genome position (GRCh38, 1-based): chr11:93,729,895, C>T. VCF-style: chr11-93729895-C-T. GRCh37 (hg19) VCF-style: chr11-93463061-C-T.
Other names: NC_000011.9:g.93463061C>T.
Identifiers: ClinVar variation 3351087 (VCV003351087.2).
Genomic context (GRCh38, chr11:93,729,895, plus strand): 5'-GTGTTTACAACTTGATTTCACTTTTCTTTCCTCAGGTTCATCTGTGAGTCGTCTAAAGGG[C>T]GTGAATAAAGTCAGAGCATCTTTTCCTGAAGACAGAAAGACTACACAGGCTCTAAGGCAC-3'
Protein context (NP_203753.1, residues 2521-2541): SISSSVSRLK[Gly2531=]VNKVRASFPE

ClinVar aggregate classification (germline): Likely benign (0 of 4 stars; one submission).

Conditions:
CEP295-related condition.

gnomAD v4.1: 81 of 1,549,420 alleles (0.0052%); highest among the groups gnomAD compares: Non-Finnish European, 0.007%; no homozygotes.

Submissions (2):

PreventionGenetics, part of Exact Sciences
Classification: Likely benign for CEP295-related condition. Last evaluated: 2024-05-09. Review status: no assertion criteria provided. Collection method: clinical testing. Allele origin: germline.
Comment: This variant is classified as likely benign based on ACMG/AMP sequence variant interpretation guidelines (Richards et al. 2015 PMID: 25741868, with internal and published modifications).

Dr. Peter K. Rogan Lab, Western University
No classification provided (evidence only). Condition: Familial cancer of breast. Review status: no classification provided. Collection method: in vitro. Allele origin: not applicable. Functional consequence: retained intron. Not counted in ClinVar's aggregate classification.